The following is an entry in ClinVar:

NM_001372106.1(DNAH10):c.11863C>T (p.Arg3955Cys)

Gene: DNAH10 (dynein axonemal heavy chain 10; plus strand). Cytogenetic location: 12q24.31.
Variant type: single nucleotide variant.
Coding change: c.11863C>T on transcript NM_001372106.1 (MANE Select); coding-DNA position 11863, C replaced by T.
Protein change: p.Arg3955Cys; replaces arginine 3955 with cysteine.
Molecular consequence: missense variant.
Genome position (GRCh38, 1-based): chr12:123,925,146, C>T. VCF-style: chr12-123925146-C-T. GRCh37 (hg19) VCF-style: chr12-124409693-C-T.
Other names: c.11509C>T, p.Arg3837Cys (NM_207437.3); short protein forms R3837C, R3955C.
Identifiers: ClinVar variation 1335123 (VCV001335123.37), dbSNP rs144421774, ClinGen allele CA6865757.

ClinVar aggregate classification (germline): Conflicting classifications of pathogenicity. Review status: criteria provided, conflicting classifications (1 of 4 stars). 3 submissions from 3 submitters: Uncertain significance (1); Likely benign (1). 1 of the submissions does not count toward it. Last evaluated 2026-03-01.

Conditions:
DNAH10-related disorder. Also called: DNAH10-related condition.

Allele frequency attached by ClinVar (database versions not stated): 1000 Genomes Project 0.00140; 1000 Genomes Project 30x 0.00156; ExAC 0.00186; gnomAD exomes 0.00190 and 0.00324; gnomAD 0.00191 and 0.00192; TOPMed 0.00201; ESP Exome Variant Server 0.00236.

Submissions (3):

CeGaT Center for Human Genetics Tuebingen
Classification: Likely benign. Last evaluated: 2026-03-01. Review status: criteria provided, single submitter. Criteria: CeGaT Center For Human Genetics Tuebingen Variant Classification Criteria Version 2. Collection method: clinical testing. Allele origin: germline. Affected: yes. Observed: 4 variant alleles.
Comment: DNAH10: PP2, BS2

Breakthrough Genomics
Classification: Uncertain significance. Review status: criteria provided, single submitter. Criteria: ACMG Guidelines, 2015. Collection method: not provided. Allele origin: germline. Inheritance: Autosomal recessive inheritance. Affected: yes.

PreventionGenetics, part of Exact Sciences
Classification: Likely benign for DNAH10-related condition. Last evaluated: 2023-07-11. Review status: no assertion criteria provided. Collection method: clinical testing. Allele origin: germline. Not counted in ClinVar's aggregate classification.
Comment: This variant is classified as likely benign based on ACMG/AMP sequence variant interpretation guidelines (Richards et al. 2015 PMID: 25741868, with internal and published modifications).